The following is an entry in ClinVar:

NM_000038.6(APC):c.3616A>T (p.Ser1206Cys)

Gene: APC (APC regulator of Wnt signaling pathway; plus strand). Cytogenetic location: 5q22.2.
Variant type: single nucleotide variant.
Coding change: c.3616A>T on transcript NM_000038.6 (MANE Select); coding-DNA position 3616, A replaced by T.
Protein change: p.Ser1206Cys; replaces serine 1206 with cysteine.
Molecular consequence: missense variant.
Genome position (GRCh38, 1-based): chr5:112,839,210, A>T. VCF-style: chr5-112839210-A-T. GRCh37 (hg19) VCF-style: chr5-112174907-A-T.
Other names: c.3670A>T, p.Ser1224Cys (NM_001354896.2); c.3646A>T, p.Ser1216Cys (NM_001354897.2); c.3541A>T, p.Ser1181Cys (NM_001354898.2); c.3532A>T, p.Ser1178Cys (NM_001354899.2); c.3493A>T, p.Ser1165Cys (NM_001354900.2); c.3439A>T, p.Ser1147Cys (NM_001354901.2); c.3343A>T, p.Ser1115Cys (NM_001354902.2); c.3313A>T, p.Ser1105Cys (NM_001354903.2); and 5 more; short protein forms S1046C, S1080C, S1105C, S1115C, S1147C, S1165C, S1178C, S1181C.
Identifiers: ClinVar variation 1319599 (VCV001319599.4), dbSNP rs901866497, ClinGen allele CA16029275.
Genomic context (GRCh38, chr5:112,839,210, plus strand): 5'-GATATTCCTTCATCACAGAAACAGTCATTTTCATTCTCAAAGAGTTCATCTGGACAAAGC[A>T]GTAAAACCGAACATATGTCTTCAAGCAGTGAGAATACGTCCACACCTTCATCTAATGCCA-3'
Protein context (NP_000029.2, residues 1196-1216): SFSKSSSGQS[Ser1206Cys]KTEHMSSSSE

ClinVar aggregate classification (germline): Uncertain significance. Review status: criteria provided, multiple submitters, no conflicts (2 of 4 stars). 2 submissions from 2 submitters: Uncertain significance (2). Last evaluated 2026-07-20.

Conditions:
Hereditary cancer-predisposing syndrome. Also called: Hereditary Cancer Syndrome; Neoplastic Syndromes, Hereditary; Hereditary neoplastic syndrome; Tumor predisposition. Identifiers: Orphanet 140162, MedGen C0027672, MeSH D009386, MONDO:0015356.

Submissions (2):

Ambry Genetics
Classification: Uncertain significance for Hereditary cancer-predisposing syndrome. Last evaluated: 2026-07-20. Review status: criteria provided, single submitter. Criteria: Ambry Variant Classification Scheme 2023. Collection method: clinical testing. Allele origin: germline.
Comment: The p.S1206C variant (also known as c.3616A>T), located in coding exon 15 of the APC gene, results from an A to T substitution at nucleotide position 3616. The serine at codon 1206 is replaced by cysteine, an amino acid with dissimilar properties. This amino acid position is conserved. In addition, in silico predictors for this gene do not accurately predict pathogenicity. Based on the available evidence, the clinical significance of this variant remains unclear.

Institute for Clinical Genetics, University Hospital TU Dresden, University Hospital TU Dresden
Classification: Uncertain significance. Last evaluated: 2021-11-03. Review status: criteria provided, single submitter. Criteria: ACMG Guidelines, 2015. Collection method: clinical testing. Allele origin: germline.